The following is an entry in ClinVar:

NM_004369.4(COL6A3):c.7342G>T (p.Val2448Phe)

Gene: COL6A3 (collagen type VI alpha 3 chain; minus strand). Cytogenetic location: 2q37.3.
Variant type: single nucleotide variant.
Coding change: c.7342G>T on transcript NM_004369.4 (MANE Select); coding-DNA position 7342, G replaced by T.
Protein change: p.Val2448Phe; replaces valine 2448 with phenylalanine.
Molecular consequence: missense variant.
Genome position (GRCh38, 1-based): chr2:237,344,676, C>A on the plus strand (G>T on the coding strand, the complement: COL6A3 is on the minus strand). VCF-style: chr2-237344676-C-A. GRCh37 (hg19) VCF-style: chr2-238253319-C-A.
Other names: c.5521G>T, p.Val1841Phe (NM_057166.5); c.7342G>T (NM_004369.3); c.6724G>T, p.Val2242Phe (NM_057167.4); short protein forms V2448F, V1841F, V2242F.
Identifiers: ClinVar variation 500808 (VCV000500808.15), dbSNP rs768564642, ClinGen allele CA2187822.

ClinVar aggregate classification (germline): Conflicting classifications of pathogenicity. Review status: criteria provided, conflicting classifications (1 of 4 stars). 4 submissions from 4 submitters: Uncertain significance (3); Likely benign (1). Last evaluated 2025-09-10.

Conditions:
COL6A3-related disorder. Also called: COL6A3-related disorders; COL6A3-related condition.
Inborn genetic diseases. Identifiers: MedGen C0950123, MeSH D030342.
Bethlem myopathy 1A. Also called: MYOPATHY, BENIGN CONGENITAL, WITH CONTRACTURES; Bethlem myopathy 1; Bethlem Muscular Dystrophy. Identifiers: Orphanet 610, MedGen CN029274, MONDO:0024530, OMIM 158810.

Allele frequency attached by ClinVar (database versions not stated): ExAC 0.00002; TOPMed 0.00002; gnomAD exomes 0.00006.
gnomAD v4.1: 15 of 1,611,360 alleles (0.00093%); highest among the groups gnomAD compares: Admixed American, 0.025%; no homozygotes.

Submissions (4):

PreventionGenetics, part of Exact Sciences
Classification: Uncertain significance for COL6A3-related condition. Last evaluated: 2025-09-10. Review status: criteria provided, single submitter. Criteria: ACMG Guidelines, 2015. Collection method: clinical testing. Allele origin: germline.
Comment: The COL6A3 c.7342G>T variant is predicted to result in the amino acid substitution p.Val2448Phe. To our knowledge, this variant has not been reported in the literature. This variant is reported in 0.041% of alleles in individuals of Latino descent in gnomAD. At this time, the clinical significance of this variant is uncertain due to the absence of conclusive functional and genetic evidence.

Ambry Genetics
Classification: Uncertain significance for Inborn genetic diseases. Last evaluated: 2025-06-19. Review status: criteria provided, single submitter. Criteria: Ambry Variant Classification Scheme 2023. Collection method: clinical testing. Allele origin: germline.

Labcorp Genetics (formerly Invitae), Labcorp
Classification: Likely benign for Bethlem myopathy 1A. Last evaluated: 2024-10-21. Review status: criteria provided, single submitter. Criteria: Invitae Variant Classification Sherloc (09022015). Collection method: clinical testing. Allele origin: germline.

Eurofins Ntd Llc (ga)
Classification: Uncertain significance. Last evaluated: 2017-03-14. Review status: criteria provided, single submitter. Criteria: EGL Classification Definitions 2015. Collection method: clinical testing. Allele origin: germline. Observed: 1 variant allele, 1 heterozygote.